The following is an entry in ClinVar:

ClinVar aggregate classification (germline): Uncertain significance (1 of 4 stars; one submission).

Submission:

Ambry Genetics
Classification: Uncertain significance. Last evaluated: 2025-03-22. Review status: criteria provided, single submitter. Criteria: Ambry Variant Classification Scheme 2023. Collection method: clinical testing. Allele origin: germline.
Comment: The p.Q1490E variant (also known as c.4468C>G), located in coding exon 19 of the WNK2 gene, results from a C to G substitution at nucleotide position 4468. The glutamine at codon 1490 is replaced by glutamic acid, an amino acid with highly similar properties. This amino acid position is conserved. In addition, this alteration is predicted to be tolerated by in silico analysis. Based on the available evidence, the clinical significance of this variant remains unclear.

NM_006648.4(WNK2):c.4468C>G (p.Gln1490Glu)

Gene: WNK2 (WNK lysine deficient protein kinase 2; plus strand). Cytogenetic location: 9q22.31.
Variant type: single nucleotide variant.
Coding change: c.4468C>G on transcript NM_006648.4 (MANE Select); coding-DNA position 4468, C replaced by G.
Protein change: p.Gln1490Glu; replaces glutamine 1490 with glutamic acid.
Molecular consequence: missense variant.
Genome position (GRCh38, 1-based): chr9:93,289,222, C>G. VCF-style: chr9-93289222-C-G. GRCh37 (hg19) VCF-style: chr9-96051504-C-G.
Other names: c.4579C>G, p.Gln1527Glu (NM_001282394.3); short protein forms Q1490E, Q1527E.
Identifiers: ClinVar variation 3981702 (VCV003981702.1).